The following is an entry in ClinVar:

ClinVar aggregate classification (germline): Benign. Review status: criteria provided, multiple submitters, no conflicts (2 of 4 stars). 10 submissions from 10 submitters: Benign (8). 2 of the submissions do not count toward it. Last evaluated 2025-04-09.

Conditions:
Noonan syndrome 8 (NS8). Identifiers: Orphanet 648, MedGen C3809233, MONDO:0014143, OMIM 615355.

Allele frequency attached by ClinVar (database versions not stated): gnomAD exomes 0.88657 and 0.91216; 1000 Genomes Project 30x 0.77124; 1000 Genomes Project 0.77995; ESP Exome Variant Server 0.79525; TOPMed 0.80225; gnomAD 0.80472 and 0.81133; ExAC 0.87745.
gnomAD v4.1: 1,455,701 of 1,614,048 alleles (90%); highest among the groups gnomAD compares: East Asian, 94%; 662,549 homozygotes.

Submissions (10):

Molecular Diagnostic Laboratory for Inherited Cardiovascular Disease, Montreal Heart Institute
Classification: Benign. Last evaluated: 2025-04-09. Review status: criteria provided, single submitter. Criteria: ACMG Guidelines, 2015. Collection method: clinical testing. Allele origin: germline. Affected: no.

Blueprint Genetics
Classification: Benign. Last evaluated: 2024-11-26. Review status: criteria provided, single submitter. Criteria: ACMG Guidelines, 2015. Collection method: clinical testing. Allele origin: germline.

Genome-Nilou Lab
Classification: Benign for Noonan syndrome 8. Last evaluated: 2021-11-07. Review status: criteria provided, single submitter. Criteria: ACMG Guidelines, 2015. Collection method: clinical testing. Allele origin: germline. Affected: no.

Women's Health and Genetics/Laboratory Corporation of America, LabCorp
Classification: Benign. Last evaluated: 2017-07-04. Review status: criteria provided, single submitter. Criteria: LabCorp Variant Classification Summary - May 2015. Collection method: clinical testing. Allele origin: germline.
Comment: Variant summary: The RIT1 c.-21G>C variant involves the alteration of a non-conserved nucleotide in 5-prime untranslated region of exon 2. Mutation taster predicts a benign outcome for this variant. This variant was found in 106437/121302 control chromosomes (47425 homozygotes) from ExAC at a frequency of 0.8774546, which is approximately 70196 times the estimated maximal expected allele frequency of a pathogenic RIT1 variant (0.0000125), thus it is a very common polymorphism. In addition, multiple clinical diagnostic laboratories/reputable databases have classified this variant as benign. Because of high allele frequency in general population, this variant is classified as benign.

GeneDx
Classification: Benign. Last evaluated: 2015-03-03. Review status: criteria provided, single submitter. Criteria: GeneDx Variant Classification Process June 2021. Collection method: clinical testing. Allele origin: germline. Affected: yes.

Laboratory for Molecular Medicine, Mass General Brigham Personalized Medicine
Classification: Benign. Last evaluated: 2014-11-24. Review status: criteria provided, single submitter. Criteria: LMM Criteria. Collection method: clinical testing. Allele origin: germline. Observed: 542 variant alleles.
Comment: p.Glu11Gln in exon 2 of RIT1: This variant is not expected to have clinical sign ificance because it has been identified in 45.1% (1989/4406) of African American chromosomes from a broad population by the NHLBI Exome Sequencing Project (dbSNP rs493446).

Breakthrough Genomics
Classification: Benign. Review status: criteria provided, single submitter. Criteria: ACMG Guidelines, 2015. Collection method: not provided. Allele origin: germline. Inheritance: Autosomal dominant inheritance. Affected: yes.

PreventionGenetics, part of Exact Sciences
Classification: Benign. Review status: criteria provided, single submitter. Criteria: ACMG Guidelines, 2015. Collection method: clinical testing. Allele origin: germline.

Clinical Genetics, Academic Medical Center
Classification: Benign. Review status: no assertion criteria provided. Collection method: clinical testing. Allele origin: germline. Affected: yes. Study: VKGL Data-share Consensus. Not counted in ClinVar's aggregate classification.

Diagnostic Laboratory, Department of Genetics, University Medical Center Groningen
Classification: Benign. Review status: no assertion criteria provided. Collection method: clinical testing. Allele origin: germline. Affected: yes. Study: VKGL Data-share Consensus. Not counted in ClinVar's aggregate classification.

NM_006912.6(RIT1):c.-21G>C

Gene: RIT1 (Ras like without CAAX 1; minus strand). Cytogenetic location: 1q22.
Variant type: single nucleotide variant.
Coding change: c.-21G>C on transcript NM_006912.6 (MANE Select); 21 bases upstream of the start codon, G replaced by C.
Molecular consequence: 5 prime UTR variant. On other transcripts: missense variant (1), intron variant (1).
Genome position (GRCh38, 1-based): chr1:155,910,782, C>G on the plus strand (G>C on the coding strand, the complement: RIT1 is on the minus strand). VCF-style: chr1-155910782-C-G. GRCh37 (hg19) VCF-style: chr1-155880573-C-G.
Other names: c.31G>C, p.Glu11Gln (NM_001256821.2); c.-2-276G>C (NM_001256820.2); short protein forms E11Q.
Identifiers: ClinVar variation 227047 (VCV000227047.16), dbSNP rs493446, ClinGen allele CA1151916.
Genomic context (GRCh38, chr1:155,910,782, plus strand): 5'-TGCTACAGCAGCTACCAACTGGGCGAGTTCCAGAATCCATTGTCCTCTTGGGGCCTTCCT[C>G]GGTTGCCCCGAGGAAAAGCCACCTAGAAAAGGAGGAGGAAATGCTTAATCCAGGATGGAG-3'